The following is an entry in ClinVar:

NM_020750.3(XPO5):c.2492C>A (p.Thr831Asn)

Genes: POLR1C (RNA polymerase I and III subunit C; plus strand), XPO5 (exportin 5; minus strand). Cytogenetic location: 6p21.1.
Variant type: single nucleotide variant.
Coding change: c.2492C>A on transcript NM_020750.3 (MANE Select); coding-DNA position 2492, C replaced by A.
Protein change: p.Thr831Asn; replaces threonine 831 with asparagine.
Molecular consequence: missense variant. On other transcripts: non-coding transcript variant (1), intron variant (1).
Genome position (GRCh38, 1-based): chr6:43,531,527, G>T on the plus strand (C>A on the coding strand, the complement: XPO5 is on the minus strand). VCF-style: chr6-43531527-G-T. GRCh37 (hg19) VCF-style: chr6-43499265-G-T.
Other names: c.922+10479G>T (NM_001363658.2); short protein forms T831N.
Identifiers: ClinVar variation 1958667 (VCV001958667.5), dbSNP rs765777749, ClinGen allele CA3826124.

ClinVar aggregate classification (germline): Uncertain significance (1 of 4 stars; one submission).

Allele frequency attached by ClinVar (database versions not stated): ExAC 0.00002; gnomAD 0.00001; TOPMed below 0.00001; gnomAD exomes 0.00001.
gnomAD v4.1: 12 of 1,613,844 alleles (0.00074%); highest among the groups gnomAD compares: African/African-American, 0.0013%; no homozygotes.

Submission:

Labcorp Genetics (formerly Invitae), Labcorp
Classification: Uncertain significance. Last evaluated: 2022-10-13. Review status: criteria provided, single submitter. Criteria: Invitae Variant Classification Sherloc (09022015). Collection method: clinical testing. Allele origin: germline.
Comment: In summary, the available evidence is currently insufficient to determine the role of this variant in disease. Therefore, it has been classified as a Variant of Uncertain Significance. Algorithms developed to predict the effect of missense changes on protein structure and function (SIFT, PolyPhen-2, Align-GVGD) all suggest that this variant is likely to be tolerated. This variant has not been reported in the literature in individuals affected with XPO5-related conditions. This variant is present in population databases (rs765777749, gnomAD 0.004%). This sequence change replaces threonine, which is neutral and polar, with asparagine, which is neutral and polar, at codon 831 of the XPO5 protein (p.Thr831Asn).